The following is an entry in ClinVar:

NM_145068.4(TRPV3):c.1718G>T (p.Gly573Val)

Gene: TRPV3 (transient receptor potential cation channel subfamily V member 3; minus strand). Cytogenetic location: 17p13.2.
Variant type: single nucleotide variant.
Coding change: c.1718G>T on transcript NM_145068.4 (MANE Select); coding-DNA position 1718, G replaced by T.
Protein change: p.Gly573Val; replaces glycine 573 with valine.
Molecular consequence: missense variant.
Genome position (GRCh38, 1-based): chr17:3,524,223, C>A on the plus strand (G>T on the coding strand, the complement: TRPV3 is on the minus strand). VCF-style: chr17-3524223-C-A. GRCh37 (hg19) VCF-style: chr17-3427517-C-A.
Other names: c.1718G>T, p.Gly573Val (NM_001258205.2); short protein forms G573V.
Identifiers: ClinVar variation 391510 (VCV000391510.7), dbSNP rs1057524115, ClinGen allele CA16607215.
Genomic context (GRCh38, chr17:3,524,223, plus strand): 5'-CGAGGGCCCTCCCGCCGGCGCAGCTCTCAACGCACCTTCTGGATCATGACGCTGTACATG[C>A]CCATGGACTGGAAACCCCGCGTATAGTAGAGCATGTTCGCCCAGCCCAGGGCCATGGCCA-3'
Protein context (NP_659505.1, residues 563-583): LYYTRGFQSM[Gly573Val]MYSVMIQKVI

ClinVar aggregate classification (germline): Pathogenic. Review status: criteria provided, multiple submitters, no conflicts (2 of 4 stars). 3 submissions from 3 submitters: Pathogenic (3). Last evaluated 2026-02-03.

Conditions:
Olmsted syndrome 1. Identifiers: Orphanet 659, MedGen C5542829, MONDO:0100296, OMIM 614594.

Submissions (3):

Labcorp Genetics (formerly Invitae), Labcorp
Classification: Pathogenic. Last evaluated: 2026-02-03. Review status: criteria provided, single submitter. Criteria: Invitae Variant Classification Sherloc (09022015). Collection method: clinical testing. Allele origin: germline.
Comment: This sequence change replaces glycine, which is neutral and non-polar, with valine, which is neutral and non-polar, at codon 573 of the TRPV3 protein (p.Gly573Val). This variant is not present in population databases (gnomAD no frequency). This missense change has been observed in individual(s) with Olmstead syndrome (PMID: 27273692). In at least one individual the variant was observed to be de novo. ClinVar contains an entry for this variant (Variation ID: 391510). Invitae Evidence Modeling of protein sequence and biophysical properties (such as structural, functional, and spatial information, amino acid conservation, physicochemical variation, residue mobility, and thermodynamic stability) indicates that this missense variant is expected to disrupt TRPV3 protein function with a positive predictive value of 95%. For these reasons, this variant has been classified as Pathogenic.

3billion
Classification: Pathogenic for Olmsted syndrome 1. Last evaluated: 2025-11-10. Review status: criteria provided, single submitter. Criteria: ACMG Guidelines, 2015. Collection method: clinical testing. Allele origin: germline. Affected: yes.
Comment: The variant is not observed in the gnomAD v4.1.0 dataset. Predicted Consequence/Location: Missense variant. Missense changes are a common disease-causing mechanism. In silico tool predictions suggest damaging effect of the variant on gene or gene product [REVEL: 0.93 (>=0.6, sensitivity 0.68 and specificity 0.92)]. The same nucleotide change resulting in the same amino acid change has been previously reported as pathogenic/likely pathogenic with strong evidence (ClinVar ID: VCV000391510 /PMID: 27273692). Different missense changes at the same codon (p.Gly573Ala, p.Gly573Cys, p.Gly573Ser) have been reported as pathogenic/likely pathogenic with strong evidence (ClinVar ID: VCV000030636, VCV000030637 /PMID: 22405088, 23692804 /3billion dataset). Therefore, this variant is classified as Pathogenic according to the recommendation of ACMG/AMP guideline.

GeneDx
Classification: Pathogenic. Last evaluated: 2017-01-05. Review status: criteria provided, single submitter. Criteria: GeneDx Variant Classification (06012015). Collection method: clinical testing. Allele origin: germline. Affected: yes.
Comment: It was not observed in approximately 6,500 individuals of European and African American ancestry in the NHLBI Exome Sequencing Project, indicating it is not a common benign variant in these populations. G573V is a conservative amino acid substitution, which is not likely to impact secondary protein structure as these residues share similar properties. This substitution occurs at a position that is conserved across species and in silico analysis predicts this variant is probably damaging to the protein structure/function. Additionally, missense variants at the same (G573C/S/A) and in nearby residues (G568C/D) have been reported in the Human Gene Mutation Database in association with Olmsted syndrome (Stenson et al., 2014), supporting the functional importance of this region of the protein. Therefore, we interpret G573V as a pathogenic variant.

Literature cited by the submitters: PubMed 27273692 (cited by Labcorp Genetics (formerly Invitae), Labcorp and 3billion); PubMed 22405088 (cited by 3billion).